The following is an entry in ClinVar:

NM_024537.4(CARS2):c.1174dup (p.Glu392fs)

Gene: CARS2 (cysteinyl-tRNA synthetase 2, mitochondrial; minus strand). Cytogenetic location: 13q34.
Variant type: Duplication.
Coding change: c.1174dup on transcript NM_024537.4 (MANE Select); coding-DNA position 1174, one base duplicated (G; older notation c.1174dupG).
Protein change: p.Glu392fs; shifts the reading frame from glutamic acid 392.
Molecular consequence: frameshift variant. On other transcripts: non-coding transcript variant (2).
Genome position (GRCh38, 1-based): chr13:110,647,120, C duplicated on the plus strand (G on the coding strand, the reverse complement: CARS2 is on the minus strand); the first of 3 consecutive C bases (chr13:110,647,120-110,647,122); duplicating any one gives the same sequence. VCF-style (leftmost placement, unchanged base first): chr13-110647119-T-TC. GRCh37 (hg19) VCF-style: chr13-111299466-T-TC.
Other names: c.388dup, p.Glu130fs (NM_001352252.2); c.1174dupG (NM_024537.4); short protein forms E130fs, E392fs.
Identifiers: ClinVar variation 4848056 (VCV004848056.1).

ClinVar aggregate classification (germline): Uncertain significance (1 of 4 stars; one submission).

Submission:

Women's Health and Genetics/Laboratory Corporation of America, LabCorp
Classification: Uncertain significance. Last evaluated: 2026-02-03. Review status: criteria provided, single submitter. Criteria: LabCorp Variant Classification Summary - May 2015. Collection method: clinical testing. Allele origin: germline.
Comment: Variant summary: CARS2 c.1174dupG (p.Glu392GlyfsX22) results in a premature termination codon, predicted to cause a truncation of the encoded protein or absence of the protein due to nonsense mediated decay, however current evidence is not sufficient to establish loss of function as a mechanism for disease. The variant was absent in 224856 control chromosomes. The available data on variant occurrences in the general population are insufficient to allow any conclusion about variant significance. To our knowledge, no occurrence of c.1174dupG in individuals affected with CARS2-related conditions and no experimental evidence demonstrating its impact on protein function have been reported. No submitters have cited clinical-significance assessments for this variant to ClinVar. Based on the evidence outlined above, the variant was classified as uncertain significance.